The following is an entry in ClinVar:

NM_000038.6(APC):c.6739T>C (p.Ser2247Pro)

Gene: APC (APC regulator of Wnt signaling pathway; plus strand). Cytogenetic location: 5q22.2.
Variant type: single nucleotide variant.
Coding change: c.6739T>C on transcript NM_000038.6 (MANE Select); coding-DNA position 6739, T replaced by C.
Protein change: p.Ser2247Pro; replaces serine 2247 with proline.
Molecular consequence: missense variant.
Genome position (GRCh38, 1-based): chr5:112,842,333, T>C. VCF-style: chr5-112842333-T-C. GRCh37 (hg19) VCF-style: chr5-112178030-T-C.
Other names: c.6769T>C, p.Ser2257Pro (NM_001354897.2); c.6664T>C, p.Ser2222Pro (NM_001354898.2); c.6655T>C, p.Ser2219Pro (NM_001354899.2); c.6616T>C, p.Ser2206Pro (NM_001354900.2); c.6562T>C, p.Ser2188Pro (NM_001354901.2); c.6466T>C, p.Ser2156Pro (NM_001354902.2); c.6436T>C, p.Ser2146Pro (NM_001354903.2); c.6361T>C, p.Ser2121Pro (NM_001354904.2); and 5 more; short protein forms S2229P, S2247P, S2265P, S2188P, S2219P, S2222P, S2257P, S1964P.
Identifiers: ClinVar variation 470060 (VCV000470060.10), dbSNP rs1554087682, ClinGen allele CA16036058.

ClinVar aggregate classification (germline): Uncertain significance (1 of 4 stars; one submission).

Conditions:
Familial adenomatous polyposis 1 (FAP1). Also called: POLYPOSIS, ADENOMATOUS INTESTINAL; FAMILIAL ADENOMATOUS POLYPOSIS 1, ATTENUATED. Identifiers: MedGen C2713442, MONDO:0021056, OMIM 175100. Disease mechanism: loss of function.

Submission:

Labcorp Genetics (formerly Invitae), Labcorp
Classification: Uncertain significance for Familial adenomatous polyposis 1. Last evaluated: 2017-06-21. Review status: criteria provided, single submitter. Criteria: Invitae Variant Classification Sherloc (09022015). Collection method: clinical testing. Allele origin: germline.
Comment: In summary, the available evidence is currently insufficient to determine the role of this variant in disease. Therefore, it has been classified as a Variant of Uncertain Significance. Algorithms developed to predict the effect of missense changes on protein structure and function (SIFT, PolyPhen-2, Align-GVGD) all suggest that this variant is likely to be tolerated, but these predictions have not been confirmed by published functional studies and their clinical significance is uncertain. This variant has not been reported in the literature in individuals with APC-related disease. This variant is not present in population databases (ExAC no frequency). This sequence change replaces serine with proline at codon 2247 of the APC protein (p.Ser2247Pro). The serine residue is highly conserved and there is a moderate physicochemical difference between serine and proline.